The following is an entry in ClinVar:

NM_007294.4(BRCA1):c.67G>C (p.Glu23Gln)

Gene: BRCA1 (BRCA1 DNA repair associated; minus strand). Cytogenetic location: 17q21.31.
Variant type: single nucleotide variant.
Coding change: c.67G>C on transcript NM_007294.4 (MANE Select); coding-DNA position 67, G replaced by C.
Protein change: p.Glu23Gln; replaces glutamic acid 23 with glutamine.
Molecular consequence: missense variant. On other transcripts: 5 prime UTR variant (1), non-coding transcript variant (1).
Genome position (GRCh38, 1-based): chr17:43,124,030, C>G on the plus strand (G>C on the coding strand, the complement: BRCA1 is on the minus strand). VCF-style: chr17-43124030-C-G. GRCh37 (hg19) VCF-style: chr17-41276047-C-G.
Other names: c.-122G>C (NM_001407571.1, NM_001407853.1, NM_001407879.1 and 46 more transcripts); c.67G>C, p.Glu23Gln (NM_001407581.1, NM_001407582.1, NM_001407583.1 and 193 more transcripts); c.-191G>C (NM_001407694.1, NM_001407724.1, NM_001407727.1 and 11 more transcripts); c.-195G>C (NM_001407695.1, NM_001408465.1); c.-336G>C (NM_001407696.1); c.-220G>C (NM_001407697.1, NM_001407846.1, NM_001407920.1); c.-21G>C (NM_001407698.1, NM_001407732.1, NM_001407736.1 and 23 more transcripts); c.-194G>C (NM_001407725.1, NM_001407730.1, NM_001407734.1 and 22 more transcripts); and 8 more; short protein forms E23Q.
Identifiers: ClinVar variation 441390 (VCV000441390.20), dbSNP rs372047427, ClinGen allele CA10602023.
Genomic context (GRCh38, chr17:43,124,030, plus strand): 5'-AGATAATCATAGGAATCCCAAATTAATACACTCTTGTGCTGACTTACCAGATGGGACACT[C>G]TAAGATTTTCTGCATAGCATTAATGACATTTTGTACTTCTTCAACGCGAAGAGCAGATAA-3'
Protein context (NP_009225.1, residues 13-33): NVINAMQKIL[Glu23Gln]CPICLELIKE

ClinVar aggregate classification (germline): Conflicting classifications of pathogenicity. Review status: criteria provided, conflicting classifications (1 of 4 stars). 7 submissions from 7 submitters: Uncertain significance (4); Likely benign (2). 1 of the submissions does not count toward it. Last evaluated 2025-11-10.

Conditions:
Hereditary cancer-predisposing syndrome. Also called: Neoplastic Syndromes, Hereditary; Hereditary neoplastic syndrome; Tumor predisposition; Hereditary Cancer Syndrome. Identifiers: Orphanet 140162, MedGen C0027672, MeSH D009386, MONDO:0015356.
Hereditary breast ovarian cancer syndrome. Also called: Hereditary breast and ovarian cancer syndrome (HBOC); BRCA1- and BRCA2-Associated Hereditary Breast and Ovarian Cancer; Hereditary breast and/or ovarian cancer syndrome; Hereditary breast and ovarian cancer syndrome; Hereditary breast and ovarian cancer; Breast and ovarian cancer. Identifiers: Orphanet 145, MedGen C0677776, MeSH D061325, MONDO:0003582. Disease mechanism: loss of function.
Breast-ovarian cancer, familial, susceptibility to, 1 (BROVCA1). Also called: BRCA1 Hereditary Breast and Ovarian Cancer; OVARIAN CANCER, SUSCEPTIBILITY TO. Identifiers: Orphanet 145, MedGen C2676676, MONDO:0011450, OMIM 604370. Disease mechanism: loss of function.

Allele frequency attached by ClinVar (database versions not stated): gnomAD exomes below 0.00001; TOPMed 0.00001; ESP Exome Variant Server 0.00008.
gnomAD v4.1: 1 of 1,613,068 alleles (0.000062%); highest among the groups gnomAD compares: Non-Finnish European, 0.000085%; no homozygotes.

Submissions (8):

Labcorp Genetics (formerly Invitae), Labcorp
Classification: Uncertain significance for Hereditary breast ovarian cancer syndrome. Last evaluated: 2025-11-10. Review status: criteria provided, single submitter. Criteria: Invitae Variant Classification Sherloc (09022015). Collection method: clinical testing. Allele origin: germline.
Comment: This sequence change replaces glutamic acid, which is acidic and polar, with glutamine, which is neutral and polar, at codon 23 of the BRCA1 protein (p.Glu23Gln). This variant is present in population databases (rs372047427, gnomAD 0.0009%). This missense change has been observed in individual(s) with breast cancer and/or ovarian cancer (PMID: 21918854, 32380732, 32856854). ClinVar contains an entry for this variant (Variation ID: 441390). Invitae Evidence Modeling incorporating data from in vitro experimental studies (PMID: 30209399) indicates that this missense variant is not expected to disrupt BRCA1 function with a negative predictive value of 95%. Experimental studies are conflicting or provide insufficient evidence to determine the effect of this variant on BRCA1 function (PMID: 25823446, 30209399). In summary, the available evidence is currently insufficient to determine the role of this variant in disease. Therefore, it has been classified as a Variant of Uncertain Significance.

Quest Diagnostics Nichols Institute San Juan Capistrano
Classification: Uncertain significance. Last evaluated: 2025-09-17. Review status: criteria provided, single submitter. Criteria: Quest Diagnostics criteria. Collection method: clinical testing. Allele origin: unknown.
Comment: The BRCA1 c.67G>C (p.Glu23Gln) variant has been reported in the published literature in individuals with breast and/or ovarian cancer (PMID: 21918854 (2012), 26109977 (2015), 32380732 (2020), 32856854 (2020)). A functional study demonstrated that this variant had an inconclusive effect on protein function, with retained functional activity in a large-scale study using a haploid cell line (PMID: 30209399 (2018)). The frequency of this variant in the general population (Genome Aggregation Database) is uninformative in the assessment of its pathogenicity. Analysis of this variant using bioinformatics tools for the prediction of the effect of amino acid changes on protein structure and function yielded predictions that this variant is benign. Based on the available information, we are unable to determine the clinical significance of this variant.

Lupski Lab, Baylor-Hopkins CMG, Baylor College of Medicine
Classification: Likely benign for Breast-ovarian cancer, familial, susceptibility to, 1. Last evaluated: 2024-04-12. Review status: criteria provided, single submitter. Criteria: Dawood et al. (medRxiv. 2024). Collection method: curation. Allele origin: germline.
Comment: Each variant was annotated with functional scores from MAVE data which was translated into functional evidence codes. All other evidence codes and combining criteria were adhered to as closely as possible based on the ClinGen VCEP (Variant Curation Expert Panel) gene-specific recommendations. See Supplemental Figure 34 of final paper (Supp Fig. 28 in preprint: doi:10.1101/2024.04.11.24305690) for a table to see which lines of evidence we did not have data for. The ClinGen VCEPs are highly regarded as the gold-standard for gene-specific variant curation and are developed after extensive evaluation of the evidence by clinical and scientific experts for the particular gene to classify genomic variants on a spectrum from pathogenic to benign using the 2015 ACMG/AMP Variant Interpretation Guidelines as a backbone (PMID: 25741868). Reclassification of these VUS variants from gnomAD or All of Us focused only on variants originally prescribed as VUS in ClinVar. To ensure reproducibility, transparency, and increased throughput, all the procedures for annotating variants and assigning evidence codes were codified using Python. All code has been made freely available and is linked in the Code Availability section and all reclassified variants with evidence codes used can be found in Tables S18-19 (preprint: doi:10.1101/2024.04.11.24305690). For the MAVE data, the clinical curation and clinical strength assignment as per the ClinGen recommendations in Brnich et al. (2020) (PMID: 31892348) for or against pathogenicity or benignity of each of these MAVE datasets utilized in this study were previously published in Fayer et al. (2021) (PMID: 34793697).In brief, for BRCA1 variants, if a variant was categorized as FUNC (functional), it was assigned BS3 evidence and no PS3 evidence, whereas if it was categorized as LOF (loss of function), the variant was assigned PS3 evidence and no BS3 evidence. Variants categorized as INT (intermediate) were left unannotated. For the BRCA1 combining criteria, greater than or equal to 1 criteria of strong benign evidence was enough to reclassify the VUS as Likely Benign. This variant GRCh38:17:43124030:C>G was assigned evidence codes ['BS3', 'BP4'] and an overall classification of Likely benign

All of Us Research Program, National Institutes of Health
Classification: Uncertain significance for Breast-ovarian cancer, familial, susceptibility to, 1. Last evaluated: 2023-05-04. Review status: criteria provided, single submitter. Criteria: ACMG Guidelines, 2015. Collection method: clinical testing. Allele origin: germline. Inheritance: Autosomal dominant inheritance. Observed: 2 variant alleles, 2 heterozygotes.
Comment: This missense variant replaces glutamic acid with glutamine at codon 23 of the BRCA1 protein. Computational prediction is inconclusive regarding the impact of this variant on protein structure and function (internally defined REVEL score threshold 0.5 < inconclusive < 0.7, PMID: 27666373). This variant has been reported to be functional in a haploid cell proliferation assay (PMID: 30209399). This variant has been reported in individuals and families affected with breast and/or ovarian cancer (PMID: 21918854, 32380732, 32856854). This variant has been identified in 1/250924 chromosomes in the general population by the Genome Aggregation Database (gnomAD). The available evidence is insufficient to determine the role of this variant in disease conclusively. Therefore, this variant is classified as a Variant of Uncertain Significance.

This study involves interpretation of variants in research participants for the purpose of population health screening. Participant phenotype was not available at the time of variant classification. Additional details can be found in publication PMID: 35346344, PMCID: PMC8962531

Ambry Genetics
Classification: Likely benign for Hereditary cancer-predisposing syndrome. Last evaluated: 2021-12-31. Review status: criteria provided, single submitter. Criteria: Ambry Variant Classification Scheme 2023. Collection method: clinical testing. Allele origin: germline.

Women's Health and Genetics/Laboratory Corporation of America, LabCorp
Classification: Uncertain significance. Last evaluated: 2020-11-25. Review status: criteria provided, single submitter. Criteria: LabCorp Variant Classification Summary - May 2015. Collection method: clinical testing. Allele origin: germline.
Comment: Variant summary: BRCA1 c.67G>C (p.Glu23Gln) results in a conservative amino acid change in the encoded protein sequence. Three of five in-silico tools predict a damaging effect of the variant on protein function. The variant allele was found at a frequency of 4e-06 in 250924 control chromosomes (gnomAD). The available data on variant occurrences in the general population are insufficient to allow any conclusion about variant significance. c.67G>C has been reported in the literature in individuals with a personal or family history of breast and/or ovarian cancer (Keshavarzi_2012, Chowdhury_2020, Incorvaia_2020). These reports do not provide unequivocal conclusions about association of the variant with Hereditary Breast and Ovarian Cancer Syndrome. An in vitro study that assessed the effect of the variant in a haploid human cell line whose survival is dependent on intact BRCA1 function, demonstrated no damaging effect of this variant (Findlay 2018). Two clinical diagnostic laboratories have submitted clinical-significance assessments for this variant to ClinVar after 2014 without evidence for independent evaluation, and both of them classified the variant as uncertain significance. Based on the evidence outlined above, the variant was classified as uncertain significance.

BRCAlab, Lund University
Classification: Uncertain significance for Breast-ovarian cancer, familial, susceptibility to, 1. Last evaluated: 2020-03-02. Review status: no assertion criteria provided. Collection method: clinical testing. Allele origin: germline. Affected: yes. Not counted in ClinVar's aggregate classification.

Brotman Baty Institute, University of Washington
No classification provided (evidence only). Condition: Breast-ovarian cancer, familial 1. Review status: no classification provided. Collection method: in vitro. Allele origin: not applicable. Functional consequence: functionally_normal. Not counted in ClinVar's aggregate classification.
ClinVar note: "not provided" was previously submitted as the classification for the variant. However, the classification appeared to be based only on an observation of functional data so it was converted to no classification on 2025-07-30.

Literature cited by the submitters: PubMed 21918854 (cited by 5 submitters); PubMed 32380732 (cited by 4 submitters); PubMed 32856854 (cited by 4 submitters); PubMed 30209399 (cited by 5 submitters); PubMed 25823446 (cited by 3 submitters); PubMed 26109977 (cited by Quest Diagnostics Nichols Institute San Juan Capistrano and Women's Health and Genetics/Laboratory Corporation of America, LabCorp); PubMed 35659930 (cited by Quest Diagnostics Nichols Institute San Juan Capistrano); PubMed 39142283 (cited by Lupski Lab, Baylor-Hopkins CMG, Baylor College of Medicine); PubMed 34793697 (cited by Lupski Lab, Baylor-Hopkins CMG, Baylor College of Medicine); DOI 10.1101/2024.04.11.24305690 (cited by Lupski Lab, Baylor-Hopkins CMG, Baylor College of Medicine); PubMed 24312913 (cited by Women's Health and Genetics/Laboratory Corporation of America, LabCorp).